The following is an entry in ClinVar:

ClinVar aggregate classification (germline): Likely benign. Review status: criteria provided, multiple submitters, no conflicts (2 of 4 stars). 2 submissions from 2 submitters: Likely benign (2). Last evaluated 2026-08-24.

Conditions:
BBS9-related disorder. Also called: BBS9-related condition.
Bardet-Biedl syndrome (BBS). Identifiers: Orphanet 110, MedGen C0752166, MONDO:0015229.

Allele frequency attached by ClinVar (database versions not stated): gnomAD exomes below 0.00001; TOPMed below 0.00001; ExAC 0.00001; gnomAD 0.00001; ESP Exome Variant Server 0.00008.
gnomAD v4.1: 2 of 1,613,846 alleles (0.00012%); highest among the groups gnomAD compares: Non-Finnish European, 0.000085%; no homozygotes.

Submissions (2):

PreventionGenetics, part of Exact Sciences
Classification: Likely benign for BBS9-related condition. Last evaluated: 2026-08-24. Review status: criteria provided, single submitter. Criteria: ACMG Guidelines, 2015. Collection method: clinical testing. Allele origin: germline.
Comment: This variant is classified as likely benign based on ACMG/AMP sequence variant interpretation guidelines (Richards et al. 2015 PMID: 25741868, with internal and published modifications).

Labcorp Genetics (formerly Invitae), Labcorp
Classification: Likely benign for Bardet-Biedl syndrome. Last evaluated: 2022-08-09. Review status: criteria provided, single submitter. Criteria: Invitae Variant Classification Sherloc (09022015). Collection method: clinical testing. Allele origin: germline.

NM_198428.3(BBS9):c.507T>C (p.Tyr169=)

Gene: BBS9 (Bardet-Biedl syndrome 9; plus strand). Cytogenetic location: 7p14.3.
Variant type: single nucleotide variant.
Coding change: c.507T>C on transcript NM_198428.3 (MANE Select); coding-DNA position 507, T replaced by C.
Protein change: p.Tyr169=; no amino-acid change (tyrosine 169 retained).
Molecular consequence: synonymous variant. On other transcripts: non-coding transcript variant (3).
Genome position (GRCh38, 1-based): chr7:33,257,300, T>C. VCF-style: chr7-33257300-T-C. GRCh37 (hg19) VCF-style: chr7-33296912-T-C.
Other names: c.507T>C, p.Tyr169= (NM_001033604.2, NM_001033605.2, NM_001348036.1 and 5 more transcripts); c.141T>C, p.Tyr47= (NM_001348037.3, NM_001348044.3, NM_001348045.3 and 1 more transcripts); c.234T>C, p.Tyr78= (NM_001348038.3, NM_001348039.3); c.372T>C, p.Tyr124= (NM_001348042.3).
Identifiers: ClinVar variation 704932 (VCV000704932.10), dbSNP rs376901170, ClinGen allele CA4214026.
Genomic context (GRCh38, chr7:33,257,300, plus strand): 5'-AGATTTAATTTGCATCCAGTCTATGGATGGGATGCTGATGGTATTTGAGCAGGAGAGCTA[T>C]GCTTTTGGAAGATTTCTCCCTGGCTTTCTTCTGCCTGGTCCTCTTGCCTACAGTTCCCGT-3'
Protein context (NP_940820.1, residues 159-179): GMLMVFEQES[Tyr169=]AFGRFLPGFL